The following is an entry in ClinVar:

ClinVar aggregate classification (germline): Uncertain significance (1 of 4 stars; one submission).

Conditions:
Early-infantile DEE. Also called: Early infantile epileptic encephalopathy with suppression bursts; Ohtahara syndrome; Early infantile epileptic encephalopathy. Identifiers: Orphanet 1934, MedGen C0393706, MONDO:0800491.

Submission:

Labcorp Genetics (formerly Invitae), Labcorp
Classification: Uncertain significance for Early-infantile DEE. Last evaluated: 2022-06-05. Review status: criteria provided, single submitter. Criteria: Invitae Variant Classification Sherloc (09022015). Collection method: clinical testing. Allele origin: germline.
Comment: This sequence change replaces proline, which is neutral and non-polar, with leucine, which is neutral and non-polar, at codon 790 of the ARHGEF15 protein (p.Pro790Leu). In summary, the available evidence is currently insufficient to determine the role of this variant in disease. Therefore, it has been classified as a Variant of Uncertain Significance. Algorithms developed to predict the effect of missense changes on protein structure and function are either unavailable or do not agree on the potential impact of this missense change (SIFT: "Deleterious"; PolyPhen-2: "Benign"; Align-GVGD: "Class C65"). ClinVar contains an entry for this variant (Variation ID: 1346380). This variant has not been reported in the literature in individuals affected with ARHGEF15-related conditions. This variant is not present in population databases (gnomAD no frequency).

NM_173728.4(ARHGEF15):c.2369C>T (p.Pro790Leu)

Gene: ARHGEF15 (Rho guanine nucleotide exchange factor 15; plus strand). Cytogenetic location: 17p13.1.
Variant type: single nucleotide variant.
Coding change: c.2369C>T on transcript NM_173728.4 (MANE Select); coding-DNA position 2369, C replaced by T.
Protein change: p.Pro790Leu; replaces proline 790 with leucine.
Molecular consequence: missense variant.
Genome position (GRCh38, 1-based): chr17:8,319,598, C>T. VCF-style: chr17-8319598-C-T. GRCh37 (hg19) VCF-style: chr17-8222916-C-T.
Other names: c.2369C>T, p.Pro790Leu (NM_025014.2); short protein forms P790L.
Identifiers: ClinVar variation 1346380 (VCV001346380.7), dbSNP rs2151645141, ClinGen allele CA398025867.
Genomic context (GRCh38, chr17:8,319,598, plus strand): 5'-CCAAGACTGAAGGACGGAGTCTGGAGTCCAGGGCTGCCCCCAAACACCTGCACAAGACCC[C>T]TGAAGGTGAGAAAGTCTTTCATTTATTTATTTTGTATTTATTATTATTATTTTTTGAGAC-3'
Protein context (NP_776089.2, residues 780-800): RAAPKHLHKT[Pro790Leu]EGWLKGLPGA